The following is an entry in ClinVar:

ClinVar aggregate classification (germline): Uncertain significance. Review status: criteria provided, multiple submitters, no conflicts (2 of 4 stars). 2 submissions from 2 submitters: Uncertain significance (2). Last evaluated 2022-09-09.

Submissions (2):

Blueprint Genetics
Classification: Uncertain significance. Last evaluated: 2022-09-09. Review status: criteria provided, single submitter. Criteria: ACMG Guidelines, 2015. Collection method: clinical testing. Allele origin: germline.

Labcorp Genetics (formerly Invitae), Labcorp
Classification: Uncertain significance. Last evaluated: 2021-11-19. Review status: criteria provided, single submitter. Criteria: Invitae Variant Classification Sherloc (09022015). Collection method: clinical testing. Allele origin: germline.
Comment: In summary, the available evidence is currently insufficient to determine the role of this variant in disease. Therefore, it has been classified as a Variant of Uncertain Significance. Algorithms developed to predict the effect of sequence changes on RNA splicing suggest that this variant may create or strengthen a splice site. Advanced modeling of protein sequence and biophysical properties (such as structural, functional, and spatial information, amino acid conservation, physicochemical variation, residue mobility, and thermodynamic stability) performed at Invitae indicates that this missense variant is not expected to disrupt HUWE1 protein function. This variant has not been reported in the literature in individuals affected with HUWE1-related conditions. This variant is not present in population databases (gnomAD no frequency). This sequence change replaces isoleucine, which is neutral and non-polar, with valine, which is neutral and non-polar, at codon 1867 of the HUWE1 protein (p.Ile1867Val).

NM_031407.7(HUWE1):c.5599A>G (p.Ile1867Val)

Gene: HUWE1 (HECT, UBA and WWE domain containing E3 ubiquitin protein ligase 1; minus strand). Cytogenetic location: Xp11.22.
Variant type: single nucleotide variant.
Coding change: c.5599A>G on transcript NM_031407.7 (MANE Select); coding-DNA position 5599, A replaced by G.
Protein change: p.Ile1867Val; replaces isoleucine 1867 with valine.
Molecular consequence: missense variant.
Genome position (GRCh38, 1-based): chrX:53,580,948, T>C on the plus strand (A>G on the coding strand, the complement: HUWE1 is on the minus strand). VCF-style: chrX-53580948-T-C. GRCh37 (hg19) VCF-style: chrX-53607908-T-C.
Other names: short protein forms I1867V.
Identifiers: ClinVar variation 1515418 (VCV001515418.7), dbSNP rs2148240397, ClinGen allele CA413173226.